The following is an entry in ClinVar:

ClinVar aggregate classification (germline): Uncertain significance (1 of 4 stars; one submission).

Conditions:
Inborn genetic diseases. Identifiers: MedGen C0950123, MeSH D030342.

gnomAD v4.1: 2 of 1,477,084 alleles (0.00014%); highest among the groups gnomAD compares: Non-Finnish European, 0.00009%; no homozygotes.

Submission:

Ambry Genetics
Classification: Uncertain significance for Inborn genetic diseases. Last evaluated: 2023-06-22. Review status: criteria provided, single submitter. Criteria: Ambry Variant Classification Scheme 2023. Collection method: clinical testing. Allele origin: germline.
Comment: The c.4477G>A (p.A1493T) alteration is located in exon 24 (coding exon 24) of the CUX1 gene. This alteration results from a G to A substitution at nucleotide position 4477, causing the alanine (A) at amino acid position 1493 to be replaced by a threonine (T). This variant was not reported in population-based cohorts in the Genome Aggregation Database (gnomAD). This amino acid position is highly conserved in available vertebrate species. This missense alteration is located in a region that has a low rate of benign missense variation (Lek, 2016; Firth, 2009). This alteration is predicted to be tolerated by in silico analysis. Based on insufficient or conflicting evidence, the clinical significance of this alteration remains unclear.

NM_181552.4(CUX1):c.4444G>A (p.Ala1482Thr)

Gene: CUX1 (cut like homeobox 1; plus strand). Cytogenetic location: 7q22.1.
Variant type: single nucleotide variant.
Coding change: c.4444G>A on transcript NM_181552.4 (MANE Select); coding-DNA position 4444, G replaced by A.
Protein change: p.Ala1482Thr; replaces alanine 1482 with threonine.
Molecular consequence: missense variant. On other transcripts: intron variant (5).
Genome position (GRCh38, 1-based): chr7:102,248,968, G>A. VCF-style: chr7-102248968-G-A. GRCh37 (hg19) VCF-style: chr7-101892248-G-A.
Other names: c.4477G>A, p.Ala1493Thr (NM_001202543.2); c.1256-24398G>A (NM_001913.5); c.1250-24398G>A (NM_181500.4); c.1118-24398G>A (NM_001202545.3); c.1208-24398G>A (NM_001202544.3); c.1139-24398G>A (NM_001202546.3); short protein forms A1482T, A1493T.
Identifiers: ClinVar variation 2597008 (VCV002597008.2), dbSNP rs1554538457, ClinGen allele CA368670111.
Genomic context (GRCh38, chr7:102,248,968, plus strand): 5'-CTCCCCGAGGCCGCGGGCGCCCGGGACTCGCGCGACAACCCCCTGCGCAAGAAGAAGGCC[G>A]CGAACTTGAACAGCATCATCCACCGCCTGGAGAAGGCCGCCAGCCGGGAGGAACCTATCG-3'
Protein context (NP_853530.2, residues 1472-1492): RDNPLRKKKA[Ala1482Thr]NLNSIIHRLE